The following is an entry in ClinVar:

ClinVar aggregate classification (germline): Likely benign (1 of 4 stars; one submission).

Allele frequency attached by ClinVar (database versions not stated): gnomAD exomes below 0.00001; gnomAD 0.00001.
gnomAD v4.1: 2 of 1,612,260 alleles (0.00012%); highest among the groups gnomAD compares: East Asian, 0.0022%; no homozygotes.

Submission:

GeneDx
Classification: Likely benign. Last evaluated: 2018-05-03. Review status: criteria provided, single submitter. Criteria: GeneDx Variant Classification (06012015). Collection method: clinical testing. Allele origin: germline. Affected: yes.
Comment: This variant is considered likely benign or benign based on one or more of the following criteria: it is a conservative change, it occurs at a poorly conserved position in the protein, it is predicted to be benign by multiple in silico algorithms, and/or has population frequency not consistent with disease.

NM_014391.3(ANKRD1):c.345+20T>C

Gene: ANKRD1 (ankyrin repeat domain 1; minus strand). Cytogenetic location: 10q23.31.
Variant type: single nucleotide variant.
Coding change: c.345+20T>C on transcript NM_014391.3 (MANE Select); 20 bases into the intron after coding-DNA position 345, T replaced by C.
Molecular consequence: intron variant.
Genome position (GRCh38, 1-based): chr10:90,919,111, A>G on the plus strand (T>C on the coding strand, the complement: ANKRD1 is on the minus strand). VCF-style: chr10-90919111-A-G. GRCh37 (hg19) VCF-style: chr10-92678868-A-G.
Identifiers: ClinVar variation 682581 (VCV000682581.1), dbSNP rs1193154460, ClinGen allele CA595185741.
Genomic context (GRCh38, chr10:90,919,111, plus strand): 5'-TCAAACCCTCCACAGATATTTGCTCCCCTGTAGCACAACACTGGACATGTATTACTGGAA[A>G]CCAAAAAAAAAGCCCTTACAATGATTTCAGGTTCTGGTTCCTTTACAACTGGAACTTTAG-3'